The following is an entry in ClinVar:

ClinVar aggregate classification (germline): Likely benign. Review status: criteria provided, multiple submitters, no conflicts (2 of 4 stars). 3 submissions from 3 submitters: Likely benign (2). 1 of the submissions does not count toward it. Last evaluated 2024-08-20.

Conditions:
PUM1-related disorder. Also called: PUM1-related condition; PUM1-related disorders.
Inborn genetic diseases. Identifiers: MedGen C0950123, MeSH D030342.

Allele frequency attached by ClinVar (database versions not stated): gnomAD exomes 0.00012; ExAC 0.00037; ESP Exome Variant Server 0.00123; gnomAD 0.00142; TOPMed 0.00153; 1000 Genomes Project 0.00180; 1000 Genomes Project 30x 0.00187.
gnomAD v4.1: 399 of 1,613,668 alleles (0.025%); highest among the groups gnomAD compares: African/African-American, 0.5%; 1 homozygote.

Submissions (3):

Blueprint Genetics
Classification: Likely benign. Last evaluated: 2024-08-20. Review status: criteria provided, single submitter. Criteria: ACMG Guidelines, 2015. Collection method: clinical testing. Allele origin: germline.

Ambry Genetics
Classification: Likely benign for Inborn genetic diseases. Last evaluated: 2024-05-24. Review status: criteria provided, single submitter. Criteria: Ambry Variant Classification Scheme 2023. Collection method: clinical testing. Allele origin: germline.

PreventionGenetics, part of Exact Sciences
Classification: Benign for PUM1-related condition. Last evaluated: 2019-06-17. Review status: no assertion criteria provided. Collection method: clinical testing. Allele origin: germline. Not counted in ClinVar's aggregate classification.
Comment: This variant is classified as benign based on ACMG/AMP sequence variant interpretation guidelines (Richards et al. 2015 PMID: 25741868, with internal and published modifications).

NM_001020658.2(PUM1):c.1850A>G (p.Asn617Ser)

Gene: PUM1 (pumilio RNA binding family member 1; minus strand). Cytogenetic location: 1p35.2.
Variant type: single nucleotide variant.
Coding change: c.1850A>G on transcript NM_001020658.2 (MANE Select); coding-DNA position 1850, A replaced by G.
Protein change: p.Asn617Ser; replaces asparagine 617 with serine.
Molecular consequence: missense variant.
Genome position (GRCh38, 1-based): chr1:30,966,218, T>C on the plus strand (A>G on the coding strand, the complement: PUM1 is on the minus strand). VCF-style: chr1-30966218-T-C. GRCh37 (hg19) VCF-style: chr1-31439065-T-C.
Other names: c.1850A>G, p.Asn617Ser (NM_014676.3); short protein forms N617S.
Identifiers: ClinVar variation 3034237 (VCV003034237.4), dbSNP rs150010288, ClinGen allele CA729086.